The following is an entry in ClinVar:

ClinVar aggregate classification (germline): Pathogenic (1 of 4 stars; one submission).

Conditions:
Developmental and epileptic encephalopathy, 11 (DEE11). Also called: Early infantile epileptic encephalopathy 11. Identifiers: Orphanet 1934, MedGen C3150987, MONDO:0013388, OMIM 613721.
Seizures, benign familial infantile, 3 (BFIS3). Also called: Familial neonatal seizures; CONVULSIONS, BENIGN FAMILIAL INFANTILE, 3. Identifiers: Orphanet 140927, Orphanet 306, MedGen C1843140, MONDO:0011904, OMIM 607745.

Submission:

Labcorp Genetics (formerly Invitae), Labcorp
Classification: Pathogenic for Seizures, benign familial infantile, 3; Developmental and epileptic encephalopathy, 11. Last evaluated: 2022-11-28. Review status: criteria provided, single submitter. Criteria: Invitae Variant Classification Sherloc (09022015). Collection method: clinical testing. Allele origin: germline.
Comment: For these reasons, this variant has been classified as Pathogenic. Advanced modeling of protein sequence and biophysical properties (such as structural, functional, and spatial information, amino acid conservation, physicochemical variation, residue mobility, and thermodynamic stability) performed at Invitae indicates that this missense variant is expected to disrupt SCN2A protein function. ClinVar contains an entry for this variant (Variation ID: 842452). This missense change has been observed in individual(s) with clinical features of SCN2A-related conditions (Invitae). In at least one individual the variant was observed to be de novo. This variant is not present in population databases (gnomAD no frequency). This sequence change replaces glutamine, which is neutral and polar, with glutamic acid, which is acidic and polar, at codon 1478 of the SCN2A protein (p.Gln1478Glu).

NM_001040142.2(SCN2A):c.4432C>G (p.Gln1478Glu)

Gene: SCN2A (sodium voltage-gated channel alpha subunit 2; plus strand). Cytogenetic location: 2q24.3.
Variant type: single nucleotide variant.
Coding change: c.4432C>G on transcript NM_001040142.2 (MANE Select); coding-DNA position 4432, C replaced by G.
Protein change: p.Gln1478Glu; replaces glutamine 1478 with glutamic acid.
Molecular consequence: missense variant.
Genome position (GRCh38, 1-based): chr2:165,380,715, C>G. VCF-style: chr2-165380715-C-G. GRCh37 (hg19) VCF-style: chr2-166237225-C-G.
Other names: c.4432C>G, p.Gln1478Glu (NM_001040143.2, NM_001371246.1, NM_001371247.1 and 1 more transcripts); short protein forms Q1478E.
Identifiers: ClinVar variation 842452 (VCV000842452.13), dbSNP rs1553462132, ClinGen allele CA349034330.